The following is an entry in ClinVar:

ClinVar aggregate classification (germline): Likely benign (1 of 4 stars; one submission).

Conditions:
MLIP-related disorder. Also called: MLIP-related condition.

Submission:

PreventionGenetics, part of Exact Sciences
Classification: Likely benign for MLIP-related condition. Last evaluated: 2026-09-12. Review status: criteria provided, single submitter. Criteria: ACMG Guidelines, 2015. Collection method: clinical testing. Allele origin: germline.
Comment: This variant is classified as likely benign based on ACMG/AMP sequence variant interpretation guidelines (Richards et al. 2015 PMID: 25741868, with internal and published modifications).

NM_001281747.2(MLIP):c.2440-4dup

Gene: MLIP (muscular LMNA interacting protein; plus strand). Cytogenetic location: 6p12.1.
Variant type: Duplication.
Coding change: c.2440-4dup on transcript NM_001281747.2 (MANE Select); 4 bases into the intron before coding-DNA position 2440, one base duplicated (T; older notation c.2440-4dupT).
Molecular consequence: intron variant.
Genome position (GRCh38, 1-based): chr6:54,160,736, T duplicated; the last of 9 consecutive T bases (chr6:54,160,728-54,160,736); duplicating any one gives the same sequence. VCF-style (leftmost placement, unchanged base first): chr6-54160727-C-CT. GRCh37 (hg19) VCF-style: chr6-54025525-C-CT.
Other names: c.835-4dup (NM_138569.3); c.2407-4dup (NM_001281746.2).
Identifiers: ClinVar variation 4981370 (VCV004981370.1).